The following is an entry in ClinVar:

NM_004370.6(COL12A1):c.1704T>A (p.Asp568Glu)

Gene: COL12A1 (collagen type XII alpha 1 chain; minus strand). Cytogenetic location: 6q13.
Variant type: single nucleotide variant.
Coding change: c.1704T>A on transcript NM_004370.6 (MANE Select); coding-DNA position 1704, T replaced by A.
Protein change: p.Asp568Glu; replaces aspartic acid 568 with glutamic acid.
Molecular consequence: missense variant. On other transcripts: intron variant (2).
Genome position (GRCh38, 1-based): chr6:75,183,237, A>T on the plus strand (T>A on the coding strand, the complement: COL12A1 is on the minus strand). VCF-style: chr6-75183237-A-T. GRCh37 (hg19) VCF-style: chr6-75892953-A-T.
Other names: c.1704T>A, p.Asp568Glu (NM_001424113.1, NM_001424114.1, NM_001424115.1); c.73+19483T>A (NM_001424116.1, NM_080645.3); short protein forms D568E.
Identifiers: ClinVar variation 3392818 (VCV003392818.1).
Genomic context (GRCh38, chr6:75,183,237, plus strand): 5'-GGCAATAGCTTCCAATTCTGAGCGAACGGCATCCTTCACACCAACTGCAAAGATTTCAAC[A>T]TCTGAATTCCTCAGTTTTATCGCAGGATCTCTGAAAGCATCTGATGATTTCCCATCCGTG-3'
Protein context (NP_004361.3, residues 558-578): RDPAIKLRNS[Asp568Glu]VEIFAVGVKD

ClinVar aggregate classification (germline): Uncertain significance (1 of 4 stars; one submission).

gnomAD v4.1: 14 of 1,614,092 alleles (0.00087%); highest among the groups gnomAD compares: African/African-American, 0.016%; no homozygotes.

Submission:

GeneDx
Classification: Uncertain significance. Last evaluated: 2024-06-26. Review status: criteria provided, single submitter. Criteria: GeneDx Variant Classification Process June 2021. Collection method: clinical testing. Allele origin: germline. Affected: yes.
Comment: In silico analysis indicates that this missense variant does not alter protein structure/function; Has not been previously published as pathogenic or benign to our knowledge